The following is an entry in ClinVar:

ClinVar aggregate classification (germline): Uncertain significance. Review status: criteria provided, multiple submitters, no conflicts (2 of 4 stars). 2 submissions from 2 submitters: Uncertain significance (2). Last evaluated 2023-01-26.

Conditions:
KBG syndrome (KBGS). Also called: ANKRD11-Related KBG Syndrome. Identifiers: Orphanet 2332, MedGen C0220687, MONDO:0007846, OMIM 148050.
Inborn genetic diseases. Identifiers: MedGen C0950123, MeSH D030342.

Allele frequency attached by ClinVar (database versions not stated): ExAC 0.00001; gnomAD 0.00001; gnomAD exomes 0.00001.
gnomAD v4.1: 15 of 1,613,856 alleles (0.00093%); highest among the groups gnomAD compares: South Asian, 0.0022%; no homozygotes.

Submissions (2):

Labcorp Genetics (formerly Invitae), Labcorp
Classification: Uncertain significance for KBG syndrome. Last evaluated: 2023-01-26. Review status: criteria provided, single submitter. Criteria: Invitae Variant Classification Sherloc (09022015). Collection method: clinical testing. Allele origin: germline.
Comment: Advanced modeling of protein sequence and biophysical properties (such as structural, functional, and spatial information, amino acid conservation, physicochemical variation, residue mobility, and thermodynamic stability) performed at Invitae indicates that this missense variant is not expected to disrupt ANKRD11 protein function. In summary, the available evidence is currently insufficient to determine the role of this variant in disease. Therefore, it has been classified as a Variant of Uncertain Significance. ClinVar contains an entry for this variant (Variation ID: 1794618). This sequence change replaces arginine, which is basic and polar, with tryptophan, which is neutral and slightly polar, at codon 893 of the ANKRD11 protein (p.Arg893Trp). The frequency data for this variant in the population databases is considered unreliable, as metrics indicate poor data quality at this position in the gnomAD database. This variant has not been reported in the literature in individuals affected with ANKRD11-related conditions.

Ambry Genetics
Classification: Uncertain significance for Inborn genetic diseases. Last evaluated: 2020-03-19. Review status: criteria provided, single submitter. Criteria: Ambry Variant Classification Scheme 2023. Collection method: clinical testing. Allele origin: germline.
Comment: The p.R893W variant (also known as c.2677C>T), located in coding exon 7 of the ANKRD11 gene, results from a C to T substitution at nucleotide position 2677. The arginine at codon 893 is replaced by tryptophan, an amino acid with dissimilar properties. This amino acid position is not well conserved in available vertebrate species. In addition, this alteration is predicted to be tolerated by in silico analysis. Since supporting evidence is limited at this time, the clinical significance of this alteration remains unclear.

NM_013275.6(ANKRD11):c.2677C>T (p.Arg893Trp)

Gene: ANKRD11 (ankyrin repeat domain 11; minus strand). Cytogenetic location: 16q24.3.
Variant type: single nucleotide variant.
Coding change: c.2677C>T on transcript NM_013275.6 (MANE Select); coding-DNA position 2677, C replaced by T.
Protein change: p.Arg893Trp; replaces arginine 893 with tryptophan.
Molecular consequence: missense variant.
Genome position (GRCh38, 1-based): chr16:89,283,865, G>A on the plus strand (C>T on the coding strand, the complement: ANKRD11 is on the minus strand). VCF-style: chr16-89283865-G-A. GRCh37 (hg19) VCF-style: chr16-89350273-G-A.
Other names: c.2677C>T, p.Arg893Trp (NM_001256182.2, NM_001256183.2); short protein forms R893W.
Identifiers: ClinVar variation 1794618 (VCV001794618.8), dbSNP rs202046459, ClinGen allele CA8242539.